The following is an entry in ClinVar:

NM_000061.3(BTK):c.974+5G>A

Gene: BTK (Bruton tyrosine kinase; minus strand). Cytogenetic location: Xq22.1.
Variant type: single nucleotide variant.
Coding change: c.974+5G>A on transcript NM_000061.3 (MANE Select); 5 bases into the intron after coding-DNA position 974, G replaced by A.
Molecular consequence: intron variant.
Genome position (GRCh38, 1-based): chrX:101,358,612, C>T on the plus strand (G>A on the coding strand, the complement: BTK is on the minus strand). VCF-style: chrX-101358612-C-T. GRCh37 (hg19) VCF-style: chrX-100613600-C-T.
Other names: c.1076+5G>A (NM_001287344.2); c.974+5G>A (NM_001287345.2).
Identifiers: ClinVar variation 1205591 (VCV001205591.4), dbSNP rs2147430161, ClinGen allele CA2499226281.
Genomic context (GRCh38, chrX:101,358,612, plus strand): 5'-TCAAGGAGCTATTAGGAGGGTACCCCTGTTCTTTGTCCTCAGGGCCTTGGAATAGTAGCA[C>T]TCACCCTGTGGATTTAGCAAACACAGACACTGTATATTTGCCAGCTTTGCTGGAGTCTCT-3'

ClinVar aggregate classification (germline): Likely pathogenic. Review status: criteria provided, multiple submitters, no conflicts (2 of 4 stars). 2 submissions from 2 submitters: Likely pathogenic (2). Last evaluated 2025-04-17.

Conditions:
X-linked agammaglobulinemia with growth hormone deficiency (IGHD3). Also called: HYPOGAMMAGLOBULINEMIA AND ISOLATED GROWTH HORMONE DEFICIENCY, X-LINKED; IGHD III; ISOLATED GROWTH HORMONE DEFICIENCY, TYPE III, WITH AGAMMAGLOBULINEMIA; AGAMMAGLOBULINEMIA AND ISOLATED GROWTH HORMONE DEFICIENCY, X-LINKED; Isolated growth hormone deficiency type 3; Growth hormone deficiency with hypogammaglobulinemia. Identifiers: Orphanet 231692, Orphanet 631, MedGen C0472813, MONDO:0010615, OMIM 307200.

Submissions (2):

Labcorp Genetics (formerly Invitae), Labcorp
Classification: Likely pathogenic for X-linked agammaglobulinemia with growth hormone deficiency. Last evaluated: 2025-04-17. Review status: criteria provided, single submitter. Criteria: Invitae Variant Classification Sherloc (09022015). Collection method: clinical testing. Allele origin: germline.
Comment: This sequence change falls in intron 11 of the BTK gene. It does not directly change the encoded amino acid sequence of the BTK protein. It affects a nucleotide within the consensus splice site. This variant is not present in population databases (gnomAD no frequency). This variant has been observed in individuals with agammaglobulinemia (PMID: 15661032; internal data). ClinVar contains an entry for this variant (Variation ID: 1205591). Variants that disrupt the consensus splice site are a relatively common cause of aberrant splicing (PMID: 17576681, 9536098). Algorithms developed to predict the effect of sequence changes on RNA splicing suggest that this variant may disrupt the consensus splice site. This variant disrupts the c.974+5G nucleotide in the BTK gene. Other variant(s) that disrupt this nucleotide have been determined to be pathogenic (PMID: 18677443; internal data). This suggests that this nucleotide is clinically significant, and that variants that disrupt this position are likely to be disease-causing. In summary, the currently available evidence indicates that the variant is pathogenic, but additional data are needed to prove that conclusively. Therefore, this variant has been classified as Likely Pathogenic.

GeneDx
Classification: Likely pathogenic. Last evaluated: 2019-05-21. Review status: criteria provided, single submitter. Criteria: GeneDx Variant Classification Process June 2021. Collection method: clinical testing. Allele origin: germline. Affected: yes.
Comment: Not observed in large population cohorts (Lek et al., 2016); Natural splice donor site predicted to be lost and the adjacent exon 11 is out-of-frame; This variant is associated with the following publications: (PMID: 15661032, 25525159)

Literature cited by the submitters: PubMed 15661032 (cited by Labcorp Genetics (formerly Invitae), Labcorp); PubMed 17576681 (cited by Labcorp Genetics (formerly Invitae), Labcorp); PubMed 9536098 (cited by Labcorp Genetics (formerly Invitae), Labcorp); PubMed 18677443 (cited by Labcorp Genetics (formerly Invitae), Labcorp).